The following is an entry in ClinVar:

ClinVar aggregate classification (germline): Likely benign. Review status: criteria provided, multiple submitters, no conflicts (2 of 4 stars). 3 submissions from 3 submitters: Likely benign (3). Last evaluated 2024-10-02.

Allele frequency attached by ClinVar (database versions not stated): gnomAD exomes below 0.00001; gnomAD 0.00001 and 0.00002; TOPMed 0.00001.
gnomAD v4.1: 5 of 1,588,320 alleles (0.00031%); highest among the groups gnomAD compares: Non-Finnish European, 0.00043%; no homozygotes.

Submissions (3):

Labcorp Genetics (formerly Invitae), Labcorp
Classification: Likely benign. Last evaluated: 2024-10-02. Review status: criteria provided, single submitter. Criteria: Invitae Variant Classification Sherloc (09022015). Collection method: clinical testing. Allele origin: germline.

Blueprint Genetics
Classification: Likely benign. Last evaluated: 2022-06-23. Review status: criteria provided, single submitter. Criteria: ACMG Guidelines, 2015. Collection method: clinical testing. Allele origin: germline.

GeneDx
Classification: Likely benign. Last evaluated: 2017-10-13. Review status: criteria provided, single submitter. Criteria: GeneDx Variant Classification (06012015). Collection method: clinical testing. Allele origin: germline. Affected: yes.
Comment: This variant is considered likely benign or benign based on one or more of the following criteria: it is a conservative change, it occurs at a poorly conserved position in the protein, it is predicted to be benign by multiple in silico algorithms, and/or has population frequency not consistent with disease.

NM_001184.4(ATR):c.60-20G>T

Gene: ATR (ATR checkpoint kinase; minus strand). Cytogenetic location: 3q23.
Variant type: single nucleotide variant.
Coding change: c.60-20G>T on transcript NM_001184.4 (MANE Select); 20 bases into the intron before coding-DNA position 60, G replaced by T.
Molecular consequence: intron variant.
Genome position (GRCh38, 1-based): chr3:142,568,174, C>A on the plus strand (G>T on the coding strand, the complement: ATR is on the minus strand). VCF-style: chr3-142568174-C-A. GRCh37 (hg19) VCF-style: chr3-142287016-C-A.
Other names: c.60-20G>T (NM_001354579.2).
Identifiers: ClinVar variation 507230 (VCV000507230.6), dbSNP rs1285913916, ClinGen allele CA546584759.